The following is an entry in ClinVar:

NM_001256715.2(DNAAF3):c.262G>A (p.Ala88Thr)

Genes: DNAAF3 (dynein axonemal assembly factor 3; minus strand), DNAAF3-AS1 (DNAAF3 antisense RNA 1; plus strand). Cytogenetic location: 19q13.42.
Variant type: single nucleotide variant.
Coding change: c.262G>A on transcript NM_001256715.2 (MANE Select); coding-DNA position 262, G replaced by A.
Protein change: p.Ala88Thr; replaces alanine 88 with threonine.
Molecular consequence: missense variant.
Genome position (GRCh38, 1-based): chr19:55,165,430, C>T on the plus strand (G>A on the coding strand, the complement: DNAAF3 is on the minus strand). VCF-style: chr19-55165430-C-T. GRCh37 (hg19) VCF-style: chr19-55676798-C-T.
Other names: c.466G>A, p.Ala156Thr (NM_001256714.1); c.100G>A, p.Ala34Thr (NM_001256716.2); c.403G>A, p.Ala135Thr (NM_178837.4); short protein forms A156T, A135T, A34T, A88T.
Identifiers: ClinVar variation 580697 (VCV000580697.7), dbSNP rs1568868472, ClinGen allele CA407460116.
Genomic context (GRCh38, chr19:55,165,430, plus strand): 5'-CTTGCAGCCCCATCTTCTCCGGTTCCTCCAGGGCTAGGCTGAAGATCAGCATGTGTCGGG[C>T]CACAGCTTCCAGATTATTCTCCAGCACAAAGAACTAGAAGGATGGACAGGGCAGAATAAT-3'
Protein context (NP_001243644.1, residues 78-98): FVLENNLEAV[Ala88Thr]RHMLIFSLAL

ClinVar aggregate classification (germline): Uncertain significance (1 of 4 stars; one submission).

Conditions:
Primary ciliary dyskinesia. Also called: Ciliary dyskinesia. Identifiers: Orphanet 244, MedGen C0008780, MONDO:0016575, HP:0012265.

Submission:

Labcorp Genetics (formerly Invitae), Labcorp
Classification: Uncertain significance for Primary ciliary dyskinesia. Last evaluated: 2018-06-29. Review status: criteria provided, single submitter. Criteria: Invitae Variant Classification Sherloc (09022015). Collection method: clinical testing. Allele origin: germline.
Comment: In summary, the available evidence is currently insufficient to determine the role of this variant in disease. Therefore, it has been classified as a Variant of Uncertain Significance. Algorithms developed to predict the effect of missense changes on protein structure and function are either unavailable or do not agree on the potential impact of this missense change (SIFT: "Deleterious"; PolyPhen-2: "Possibly Damaging"; Align-GVGD: "Class C0"). This variant has not been reported in the literature in individuals with DNAAF3-related disease. This variant is not present in population databases (ExAC no frequency). This sequence change replaces alanine with threonine at codon 156 of the DNAAF3 protein (p.Ala156Thr). The alanine residue is highly conserved and there is a small physicochemical difference between alanine and threonine.